The following is an entry in ClinVar:

ClinVar aggregate classification (germline): Benign/Likely benign. Review status: criteria provided, multiple submitters, no conflicts (2 of 4 stars). 4 submissions from 4 submitters: Benign (2); Likely benign (1). 1 of the submissions does not count toward it. Last evaluated 2026-01-15.

Conditions:
Cerebellar dysfunction with variable cognitive and behavioral abnormalities (CECBA). Also called: Nonprogressive cerebellar atxia with intellectual disability. Identifiers: Orphanet 314647, MedGen C3553661, MONDO:0013886, OMIM 614756.
CAMTA1-related disorder. Also called: CAMTA1-related condition.

Allele frequency attached by ClinVar (database versions not stated): 1000 Genomes Project 30x 0.00500; gnomAD 0.00567 and 0.00613; ESP Exome Variant Server 0.00607; TOPMed 0.00650; gnomAD exomes 0.00134; ExAC 0.00164; 1000 Genomes Project 0.00439.
gnomAD v4.1: 1,595 of 1,612,992 alleles (0.099%); highest among the groups gnomAD compares: African/African-American, 1.9%; 17 homozygotes.

Submissions (4):

Labcorp Genetics (formerly Invitae), Labcorp
Classification: Benign. Last evaluated: 2026-01-15. Review status: criteria provided, single submitter. Criteria: Invitae Variant Classification Sherloc (09022015). Collection method: clinical testing. Allele origin: germline.

Fulgent Genetics
Classification: Likely benign for Cerebellar dysfunction with variable cognitive and behavioral abnormalities. Last evaluated: 2021-09-21. Review status: criteria provided, single submitter. Criteria: ACMG Guidelines, 2015. Collection method: clinical testing. Allele origin: unknown.

Breakthrough Genomics
Classification: Benign. Review status: criteria provided, single submitter. Criteria: ACMG Guidelines, 2015. Collection method: not provided. Allele origin: germline. Inheritance: Autosomal dominant inheritance. Affected: yes.

PreventionGenetics, part of Exact Sciences
Classification: Benign for CAMTA1-related condition. Last evaluated: 2020-09-02. Review status: no assertion criteria provided. Collection method: clinical testing. Allele origin: germline. Not counted in ClinVar's aggregate classification.
Comment: This variant is classified as benign based on ACMG/AMP sequence variant interpretation guidelines (Richards et al. 2015 PMID: 25741868, with internal and published modifications).

NM_015215.4(CAMTA1):c.2730A>G (p.Ser910=)

Gene: CAMTA1 (calmodulin binding transcription activator 1; plus strand). Cytogenetic location: 1p36.23.
Variant type: single nucleotide variant.
Coding change: c.2730A>G on transcript NM_015215.4 (MANE Select); coding-DNA position 2730, A replaced by G.
Protein change: p.Ser910=; no amino-acid change (serine 910 retained).
Molecular consequence: synonymous variant. On other transcripts: 5 prime UTR variant (6).
Genome position (GRCh38, 1-based): chr1:7,670,988, A>G. VCF-style: chr1-7670988-A-G. GRCh37 (hg19) VCF-style: chr1-7731048-A-G.
Other names: c.2640A>G, p.Ser880= (NM_001349608.2, NM_001349612.2); c.2730A>G, p.Ser910= (NM_001349609.2, NM_001349610.2); c.-199A>G (NM_001349614.1, NM_001349617.1, NM_001349620.1 and 3 more transcripts).
Identifiers: ClinVar variation 731059 (VCV000731059.13), dbSNP rs6674962, ClinGen allele CA566713.